The following is an entry in ClinVar:

NM_001199107.2(TBC1D24):c.20A>G (p.Asn7Ser)

Gene: TBC1D24 (TBC1 domain family member 24; plus strand). Cytogenetic location: 16p13.3.
Variant type: single nucleotide variant.
Coding change: c.20A>G on transcript NM_001199107.2 (MANE Select); coding-DNA position 20, A replaced by G.
Protein change: p.Asn7Ser; replaces asparagine 7 with serine.
Molecular consequence: missense variant.
Genome position (GRCh38, 1-based): chr16:2,496,168, A>G. VCF-style: chr16-2496168-A-G. GRCh37 (hg19) VCF-style: chr16-2546169-A-G.
Other names: p.N7S:AAC>AGC; c.20A>G, p.Asn7Ser (NM_020705.3); short protein forms N7S.
Identifiers: ClinVar variation 207493 (VCV000207493.2), dbSNP rs765897138, ClinGen allele CA319009.

ClinVar aggregate classification (germline): Uncertain significance (1 of 4 stars; one submission).

Allele frequency attached by ClinVar (database versions not stated): gnomAD exomes below 0.00001; gnomAD 0.00001.
gnomAD v4.1: 3 of 1,613,818 alleles (0.00019%); highest among the groups gnomAD compares: Non-Finnish European, 0.00025%; no homozygotes.

Submission:

GeneDx
Classification: Uncertain significance. Last evaluated: 2014-09-18. Review status: criteria provided, single submitter. Criteria: GeneDx Variant Classification (06012015). Collection method: clinical testing. Allele origin: germline. Affected: yes.
Comment: p.Asn7Ser (AAC>AGC): c.20 A>G in exon 2 of the TBC1D24 gene (NM_001199107.1). A variant of unknown significance has been identified in the TBC1D24 gene. The N7S variant has not been published as a mutation, nor has it been reported as a benign polymorphism to our knowledge. It was not observed in approximately 6,300 individuals of European and African American ancestry in the NHLBI Exome Sequencing Project, indicating it is not a common benign variant in these populations. The N7S variant is a conservative amino acid substitution, which is not likely to impact secondary protein structure as these residues share similar properties. This substitution occurs at a position that is not conserved in mammals and in silico analysis predicts the N7S variant likely does not alter the protein structure/function. Therefore, based on the currently available information, it is unclear whether this variant is a pathogenic mutation or a rare benign variant. The variant is found in EPILEPSY panel(s).